The following is an entry in ClinVar:

ClinVar aggregate classification (germline): Pathogenic (1 of 4 stars; one submission).

Conditions:
Alport syndrome 3b, autosomal recessive. Identifiers: MedGen C5882699, MONDO:0957811, OMIM 620536.

Submission:

3billion
Classification: Pathogenic for Alport syndrome 3b, autosomal recessive. Last evaluated: 2025-07-28. Review status: criteria provided, single submitter. Criteria: ACMG Guidelines, 2015. Collection method: clinical testing. Allele origin: germline. Affected: yes.
Comment: The variant is not observed in the gnomAD v4.1.0 dataset. Predicted Consequence/Location: Frameshift: predicted to result in a loss or disruption of normal protein function through nonsense-mediated decay (NMD) or protein truncation. Multiple pathogenic variants are reported downstream of the variant. In silico tools predict the variant to alter splicing and produce an abnormal transcript [SpliceAI: 1.00 (spliceogenicity >=0.2, non-spliceogenicity <0.1)]. Therefore, this variant is classified as Pathogenic according to the recommendation of ACMG/AMP guideline.

NM_000091.5(COL4A3):c.1114+1del

Genes: COL4A3 (collagen type IV alpha 3 chain; plus strand), MFF-DT (MFF divergent transcript; minus strand). Cytogenetic location: 2q36.3.
Variant type: Deletion.
Coding change: c.1114+1del on transcript NM_000091.5 (MANE Select); the canonical splice donor site of the intron after coding-DNA position 1114, one base deleted (G; older notation c.1114+1delG).
Molecular consequence: splice donor variant.
Genome position (GRCh38, 1-based): chr2:227,259,878, G deleted; the last of 2 consecutive G bases (chr2:227,259,877-227,259,878); deleting either gives the same sequence. VCF-style (leftmost placement, unchanged base first): chr2-227259876-AG-A. GRCh37 (hg19) VCF-style: chr2-228124592-AG-A.
Identifiers: ClinVar variation 4855032 (VCV004855032.1).